The following is an entry in ClinVar:

NM_173354.5(SIK1):c.1849G>A (p.Ala617Thr)

Gene: SIK1 (salt inducible kinase 1; minus strand). Cytogenetic location: 21q22.3.
Variant type: single nucleotide variant.
Coding change: c.1849G>A on transcript NM_173354.5 (MANE Select); coding-DNA position 1849, G replaced by A.
Protein change: p.Ala617Thr; replaces alanine 617 with threonine.
Molecular consequence: missense variant.
Genome position (GRCh38, 1-based): chr21:43,417,670, C>T on the plus strand (G>A on the coding strand, the complement: SIK1 is on the minus strand). VCF-style: chr21-43417670-C-T. GRCh37 (hg19) VCF-style: chr21-44837550-C-T.
Other names: short protein forms A617T.
Identifiers: ClinVar variation 938200 (VCV000938200.11), dbSNP rs779097101, ClinGen allele CA321324931.

ClinVar aggregate classification (germline): Conflicting classifications of pathogenicity. Review status: criteria provided, conflicting classifications (1 of 4 stars). 2 submissions from 2 submitters: Uncertain significance (1); Likely benign (1). Last evaluated 2024-12-19.

Conditions:
Inborn genetic diseases. Identifiers: MedGen C0950123, MeSH D030342.
Developmental and epileptic encephalopathy, 30 (DEE30). Also called: Epileptic encephalopathy, early infantile, 30. Identifiers: MedGen C4225360, MONDO:0014595, OMIM 616341.

Allele frequency attached by ClinVar (database versions not stated): gnomAD 0.00005.

Submissions (2):

Ambry Genetics
Classification: Likely benign for Inborn genetic diseases. Last evaluated: 2024-12-19. Review status: criteria provided, single submitter. Criteria: Ambry Variant Classification Scheme 2023. Collection method: clinical testing. Allele origin: germline.

Labcorp Genetics (formerly Invitae), Labcorp
Classification: Uncertain significance for Developmental and epileptic encephalopathy, 30. Last evaluated: 2024-01-14. Review status: criteria provided, single submitter. Criteria: Invitae Variant Classification Sherloc (09022015). Collection method: clinical testing. Allele origin: germline.
Comment: This sequence change replaces alanine, which is neutral and non-polar, with threonine, which is neutral and polar, at codon 617 of the SIK1 protein (p.Ala617Thr). The frequency data for this variant in the population databases is considered unreliable, as metrics indicate poor data quality at this position in the gnomAD database. This variant has not been reported in the literature in individuals affected with SIK1-related conditions. ClinVar contains an entry for this variant (Variation ID: 938200). Advanced modeling of protein sequence and biophysical properties (such as structural, functional, and spatial information, amino acid conservation, physicochemical variation, residue mobility, and thermodynamic stability) performed at Invitae indicates that this missense variant is not expected to disrupt SIK1 protein function with a negative predictive value of 95%. In summary, the available evidence is currently insufficient to determine the role of this variant in disease. Therefore, it has been classified as a Variant of Uncertain Significance.